The following is an entry in ClinVar:

NM_007055.4(POLR3A):c.1397C>T (p.Pro466Leu)

Gene: POLR3A (RNA polymerase III subunit A; minus strand). Cytogenetic location: 10q22.3.
Variant type: single nucleotide variant.
Coding change: c.1397C>T on transcript NM_007055.4 (MANE Select); coding-DNA position 1397, C replaced by T.
Protein change: p.Pro466Leu; replaces proline 466 with leucine.
Molecular consequence: missense variant.
Genome position (GRCh38, 1-based): chr10:78,017,609, G>A on the plus strand (C>T on the coding strand, the complement: POLR3A is on the minus strand). VCF-style: chr10-78017609-G-A. GRCh37 (hg19) VCF-style: chr10-79777367-G-A.
Other names: short protein forms P466L.
Identifiers: ClinVar variation 4813808 (VCV004813808.1).

ClinVar aggregate classification (germline): Likely pathogenic (1 of 4 stars; one submission).

Conditions:
Leukodystrophy, hypomyelinating, 7, with or without oligodontia and/or hypogonadotropic hypogonadism (HLD7). Also called: LEUKOENCEPHALOPATHY, HYPOMYELINATING, WITH ATAXIA AND DELAYED DENTITION; ATAXIA, DELAYED DENTITION, AND HYPOMYELINATION; LEUKODYSTROPHY, HYPOMYELINATING, 7, WITH OLIGODONTIA; LEUKODYSTROPHY, HYPOMYELINATING, 7, WITH OLIGODONTIA AND HYPOGONADOTROPIC HYPOGONADISM; LEUKODYSTROPHY, HYPOMYELINATING, 7, WITHOUT OLIGODONTIA OR HYPOGONADOTROPIC HYPOGONADISM; Ataxia, Delayed Dentition and Hypomyelination (ADDH). Identifiers: Orphanet 137639, Orphanet 447893, Orphanet 447896, Orphanet 77295, Orphanet 88637, MedGen CN034185, MONDO:0011897, OMIM 607694.

gnomAD v4.1: 1 of 1,614,064 alleles (0.000062%); highest among the groups gnomAD compares: Non-Finnish European, 0.000085%; no homozygotes.

Submission:

Variantyx, Inc.
Classification: Likely pathogenic for Leukodystrophy, hypomyelinating, 7, with or without oligodontia and/or hypogonadotropic hypogonadism. Last evaluated: 2025-12-02. Review status: criteria provided, single submitter. Criteria: Variantyx Assertion Criteria 2022. Collection method: clinical testing. Allele origin: germline. Inheritance: Autosomal recessive inheritance. Affected: yes.
Comment: This is a nonsynonymous variant in the POLR3A gene (OMIM: 614258). Pathogenic variants in this gene have been associated with autosomal recessive hypomyelinating leukodystrophy 7 with or without oligodontia and/or hypogonadotropic hypogonadism (PMID:21855841). The clinical symptoms reported for this individual are highly specific for autosomal recessive hypomyelinating leukodystrophy 7 with or without oligodontia and/or hypogonadotropic hypogonadism, which has a limited genetic etiology (PP4). This variant has been reported in the compound heterozygous state in the proband (PM3). Multiple computational algorithms predict a deleterious effect for this variant (REVEL score: 0.853) (PP3). It has a 0.0001% maximum allele frequency in non-founder control populations (PM2) and it has not been reported in individuals with POLR3A-related disorders in the databases available for review. Based on the current evidence, this variant is classified as likely pathogenic for autosomal recessive hypomyelinating leukodystrophy 7 with or without oligodontia and/or hypogonadotropic hypogonadism.

Literature cited by the submitters: PubMed 21855841.